The following is an entry in ClinVar:

NM_002198.3(IRF1):c.854-31A>G

Gene: IRF1 (interferon regulatory factor 1; minus strand). Cytogenetic location: 5q31.1.
Variant type: single nucleotide variant.
Coding change: c.854-31A>G on transcript NM_002198.3 (MANE Select); 31 bases into the intron before coding-DNA position 854, A replaced by G.
Molecular consequence: intron variant.
Genome position (GRCh38, 1-based): chr5:132,484,106, T>C on the plus strand (A>G on the coding strand, the complement: IRF1 is on the minus strand). VCF-style: chr5-132484106-T-C. GRCh37 (hg19) VCF-style: chr5-131819798-T-C.
Other names: c.731-31A>G (NM_001354924.1); c.668-31A>G (NM_001354925.1).
Identifiers: ClinVar variation 2688378 (VCV002688378.2), dbSNP rs2070731, ClinGen allele CA3404431.

ClinVar aggregate classification (germline): Benign (1 of 4 stars; one submission).

Allele frequency attached by ClinVar (database versions not stated): gnomAD exomes 0.33149; TOPMed 0.33519; ESP Exome Variant Server 0.33746; gnomAD 0.33748; ExAC 0.33778; 1000 Genomes Project 30x 0.36196; 1000 Genomes Project 0.36562.

Submission:

Unidad de Genómica Garrahan, Hospital de Pediatría Garrahan
Classification: Benign. Last evaluated: 2024-01-24. Review status: criteria provided, single submitter. Criteria: ACMG Guidelines, 2015. Collection method: clinical testing. Allele origin: germline. Affected: no. Observed: 58 variant alleles.
Comment: This variant is classified as Benign based on local population frequency. This variant was detected in 66% of patients studied by a panel of primary immunodeficiencies. Number of patients: 58. Only high quality variants are reported.